The following is an entry in ClinVar:

ClinVar aggregate classification (germline): Uncertain significance (1 of 4 stars; one submission).

Conditions:
Ehlers-Danlos syndrome, classic type, 1 (EDSCL1). Also called: EHLERS-DANLOS SYNDROME, GRAVIS TYPE; EHLERS-DANLOS SYNDROME, SEVERE CLASSIC TYPE; Ehlers-Danlos syndrome, type 1; Ehlers-Danlos Syndrome, Classic Type, COL5A1-Related; EDS I. Identifiers: MedGen C0268335, MONDO:0019567, OMIM 130000.

gnomAD v4.1: 3 of 1,614,024 alleles (0.00019%); no homozygotes.

Submission:

Labcorp Genetics (formerly Invitae), Labcorp
Classification: Uncertain significance for Ehlers-Danlos syndrome, classic type, 1. Last evaluated: 2024-02-03. Review status: criteria provided, single submitter. Criteria: Invitae Variant Classification Sherloc (09022015). Collection method: clinical testing. Allele origin: germline.
Comment: This sequence change replaces methionine, which is neutral and non-polar, with leucine, which is neutral and non-polar, at codon 465 of the COL5A1 protein (p.Met465Leu). This variant is not present in population databases (gnomAD no frequency). This variant has not been reported in the literature in individuals affected with COL5A1-related conditions. Advanced modeling of protein sequence and biophysical properties (such as structural, functional, and spatial information, amino acid conservation, physicochemical variation, residue mobility, and thermodynamic stability) performed at Invitae indicates that this missense variant is not expected to disrupt COL5A1 protein function with a negative predictive value of 80%. In summary, the available evidence is currently insufficient to determine the role of this variant in disease. Therefore, it has been classified as a Variant of Uncertain Significance.

NM_000093.5(COL5A1):c.1393A>T (p.Met465Leu)

Gene: COL5A1 (collagen type V alpha 1 chain; plus strand). Cytogenetic location: 9q34.3.
Variant type: single nucleotide variant.
Coding change: c.1393A>T on transcript NM_000093.5 (MANE Select); coding-DNA position 1393, A replaced by T.
Protein change: p.Met465Leu; replaces methionine 465 with leucine.
Molecular consequence: missense variant.
Genome position (GRCh38, 1-based): chr9:134,738,477, A>T. VCF-style: chr9-134738477-A-T. GRCh37 (hg19) VCF-style: chr9-137630323-A-T.
Other names: c.1393A>T, p.Met465Leu (NM_001278074.1); short protein forms M465L.
Identifiers: ClinVar variation 3638630 (VCV003638630.2).
Genomic context (GRCh38, chr9:134,738,477, plus strand): 5'-CTGGGGTGTCGGGAGGGATGGGCTGCGGTCTCAGACGCCCTCTCTCTGTCTCCCCAGGGC[A>T]TGCTCATCGAGGGCCCGCCTGGCCCAGAAGGCCCCGCGGTGAGTATCCGGCTTTATCCTG-3'
Protein context (NP_000084.3, residues 455-475): KGEPAIIEPG[Met465Leu]LIEGPPGPEG